The following is an entry in ClinVar:

NM_013336.4(SEC61A1):c.463-45G>A

Gene: SEC61A1 (SEC61 translocon subunit alpha 1; plus strand). Cytogenetic location: 3q21.3.
Variant type: single nucleotide variant.
Coding change: c.463-45G>A on transcript NM_013336.4 (MANE Select); 45 bases into the intron before coding-DNA position 463, G replaced by A.
Molecular consequence: intron variant.
Genome position (GRCh38, 1-based): chr3:128,060,463, G>A. VCF-style: chr3-128060463-G-A. GRCh37 (hg19) VCF-style: chr3-127779306-G-A.
Identifiers: ClinVar variation 1233875 (VCV001233875.6), dbSNP rs2304018, ClinGen allele CA2598408.

ClinVar aggregate classification (germline): Benign. Review status: criteria provided, multiple submitters, no conflicts (2 of 4 stars). 3 submissions from 3 submitters: Benign (3). Last evaluated 2024-01-24.

Allele frequency attached by ClinVar (database versions not stated): 1000 Genomes Project 30x 0.20159; TOPMed 0.22189; ESP Exome Variant Server 0.25150; 1000 Genomes Project 0.20068; gnomAD exomes 0.22342; ExAC 0.22930.
gnomAD v4.1: 375,403 of 1,597,712 alleles (23%); highest among the groups gnomAD compares: South Asian, 27%; 45,579 homozygotes.

Submissions (3):

Unidad de Genómica Garrahan, Hospital de Pediatría Garrahan
Classification: Benign. Last evaluated: 2024-01-24. Review status: criteria provided, single submitter. Criteria: ACMG Guidelines, 2015. Collection method: clinical testing. Allele origin: germline. Affected: no. Observed: 39 variant alleles.
Comment: This variant is classified as Benign based on local population frequency. This variant was detected in 41% of patients studied by a panel of primary immunodeficiencies. Number of patients: 39. Only high quality variants are reported.

GeneDx
Classification: Benign. Last evaluated: 2019-01-25. Review status: criteria provided, single submitter. Criteria: GeneDx Variant Classification Process June 2021. Collection method: clinical testing. Allele origin: germline. Affected: yes.

Breakthrough Genomics
Classification: Benign. Review status: criteria provided, single submitter. Criteria: ACMG Guidelines, 2015. Collection method: not provided. Allele origin: germline. Inheritance: Autosomal dominant inheritance. Affected: yes.